The following is an entry in ClinVar:

ClinVar aggregate classification (germline): Likely benign. Review status: criteria provided, multiple submitters, no conflicts (2 of 4 stars). 6 submissions from 6 submitters: Likely benign (6). Last evaluated 2025-01-21.

Conditions:
Atrial septal defect 5 (ASD5). Identifiers: Orphanet 1478, MedGen C2748552, MONDO:0013011, OMIM 612794.
Dilated cardiomyopathy 1R (CMD1R). Identifiers: Orphanet 154, Orphanet 54260, MedGen C3150681, MONDO:0013261, OMIM 613424.
Hypertrophic cardiomyopathy 11. Also called: ACTC1-Related Familial Hypertrophic Cardiomyopathy. Identifiers: MedGen C2677506, MONDO:0012799, OMIM 612098.
Cardiomyopathy (CMYO). Also called: Cardiomyopathies. Identifiers: Orphanet 167848, MedGen C0878544, MONDO:0004994, HP:0001638. Inheritance: Various modes of inheritance.
Hypertrophic cardiomyopathy. Also called: HYPERTROPHIC MYOCARDIOPATHY. Identifiers: Orphanet 217569, MedGen C0007194, MeSH D002312, MONDO:0005045, HP:0001639.

Allele frequency attached by ClinVar (database versions not stated): gnomAD 0.00001 and 0.00002; ExAC 0.00002.
gnomAD v4.1: 13 of 1,614,022 alleles (0.00081%); highest among the groups gnomAD compares: Middle Eastern, 0.017%; no homozygotes.

Submissions (6):

Labcorp Genetics (formerly Invitae), Labcorp
Classification: Likely benign for Dilated cardiomyopathy 1R; Hypertrophic cardiomyopathy 11; Atrial septal defect 5. Last evaluated: 2025-01-21. Review status: criteria provided, single submitter. Criteria: Invitae Variant Classification Sherloc (09022015). Collection method: clinical testing. Allele origin: germline.

Blueprint Genetics
Classification: Likely benign. Last evaluated: 2024-09-19. Review status: criteria provided, single submitter. Criteria: ACMG Guidelines, 2015. Collection method: clinical testing. Allele origin: germline.

All of Us Research Program, National Institutes of Health
Classification: Likely benign for Hypertrophic cardiomyopathy. Last evaluated: 2023-03-28. Review status: criteria provided, single submitter. Criteria: ACMG Guidelines, 2015. Collection method: clinical testing. Allele origin: germline. Inheritance: Autosomal dominant inheritance. Observed: 1 variant allele, 1 heterozygote.
Comment: This study involves interpretation of variants in research participants for the purpose of population health screening. Participant phenotype was not available at the time of variant classification. Additional details can be found in publication PMID: 35346344, PMCID: PMC8962531

CHEO Genetics Diagnostic Laboratory, Children's Hospital of Eastern Ontario
Classification: Likely benign for Cardiomyopathy. Last evaluated: 2023-01-10. Review status: criteria provided, single submitter. Criteria: ACMG Guidelines, 2015. Collection method: clinical testing. Allele origin: germline.

Color Diagnostics, LLC DBA Color Health
Classification: Likely benign for Cardiomyopathy. Last evaluated: 2019-08-12. Review status: criteria provided, single submitter. Criteria: ACMG Guidelines, 2015. Collection method: clinical testing. Allele origin: germline.

GeneDx
Classification: Likely benign. Last evaluated: 2015-10-22. Review status: criteria provided, single submitter. Criteria: GeneDx Variant Classification (06012015). Collection method: clinical testing. Allele origin: germline. Affected: yes.
Comment: This variant is considered likely benign or benign based on one or more of the following criteria: it is a conservative change, it occurs at a poorly conserved position in the protein, it is predicted to be benign by multiple in silico algorithms, and/or has population frequency not consistent with disease.

NM_005159.5(ACTC1):c.1098G>A (p.Glu366=)

Genes: ACTC1 (actin alpha cardiac muscle 1; minus strand), GJD2-DT (GJD2 divergent transcript; plus strand). Cytogenetic location: 15q14.
Variant type: single nucleotide variant.
Coding change: c.1098G>A on transcript NM_005159.5 (MANE Select); coding-DNA position 1098, G replaced by A.
Protein change: p.Glu366=; no amino-acid change (glutamic acid 366 retained).
Molecular consequence: synonymous variant.
Genome position (GRCh38, 1-based): chr15:34,790,448, C>T on the plus strand (G>A on the coding strand, the complement: ACTC1 is on the minus strand). VCF-style: chr15-34790448-C-T. GRCh37 (hg19) VCF-style: chr15-35082649-C-T.
Other names: c.1098G>A (LRG_388t1).
Identifiers: ClinVar variation 377437 (VCV000377437.14), dbSNP rs758173419, ClinGen allele CA040713.